The following is an entry in ClinVar:

NM_001170629.2(CHD8):c.3683A>G (p.Asp1228Gly)

Gene: CHD8 (chromodomain helicase DNA binding protein 8; minus strand). Cytogenetic location: 14q11.2.
Variant type: single nucleotide variant.
Coding change: c.3683A>G on transcript NM_001170629.2 (MANE Select); coding-DNA position 3683, A replaced by G.
Protein change: p.Asp1228Gly; replaces aspartic acid 1228 with glycine.
Molecular consequence: missense variant.
Genome position (GRCh38, 1-based): chr14:21,403,048, T>C on the plus strand (A>G on the coding strand, the complement: CHD8 is on the minus strand). VCF-style: chr14-21403048-T-C. GRCh37 (hg19) VCF-style: chr14-21871207-T-C.
Other names: c.2846A>G, p.Asp949Gly (NM_020920.4); c.3683A>G (NM_001170629.1); short protein forms D1228G, D949G.
Identifiers: ClinVar variation 2134699 (VCV002134699.5), dbSNP rs2501900617, ClinGen allele CA388899611.

ClinVar aggregate classification (germline): Conflicting classifications of pathogenicity. Review status: criteria provided, conflicting classifications (1 of 4 stars). 2 submissions from 2 submitters: Likely pathogenic (1); Uncertain significance (1). Last evaluated 2024-02-05.

Conditions:
Inborn genetic diseases. Identifiers: MedGen C0950123, MeSH D030342.

Allele frequency attached by ClinVar (database versions not stated): gnomAD exomes below 0.00001.
gnomAD v4.1: 1 of 1,614,010 alleles (0.000062%); highest among the groups gnomAD compares: Non-Finnish European, 0.000085%; no homozygotes.

Submissions (2):

Ambry Genetics
Classification: Likely pathogenic for Inborn genetic diseases. Last evaluated: 2024-02-05. Review status: criteria provided, single submitter. Criteria: Ambry Variant Classification Scheme 2023. Collection method: clinical testing. Allele origin: germline.
Comment: The c.3683A>G (p.D1228G) alteration is located in coding exon 17 of the CHD8 gene. This alteration results from an A to G substitution at nucleotide position 3683, causing the aspartic acid (D) at amino acid position 1228 to be replaced by a glycine (G). This variant was not reported in population-based cohorts in the Genome Aggregation Database (gnomAD). This amino acid position is highly conserved in available vertebrate species. This missense alteration is located in a region that has a low rate of benign missense variation (Lek, 2016; Firth, 2009). This alteration is predicted to be deleterious by in silico analysis. Based on the available evidence, this alteration is classified as likely pathogenic.

Labcorp Genetics (formerly Invitae), Labcorp
Classification: Uncertain significance. Last evaluated: 2022-05-06. Review status: criteria provided, single submitter. Criteria: Invitae Variant Classification Sherloc (09022015). Collection method: clinical testing. Allele origin: germline.
Comment: In summary, the available evidence is currently insufficient to determine the role of this variant in disease. Therefore, it has been classified as a Variant of Uncertain Significance. Advanced modeling of protein sequence and biophysical properties (such as structural, functional, and spatial information, amino acid conservation, physicochemical variation, residue mobility, and thermodynamic stability) performed at Invitae indicates that this missense variant is expected to disrupt CHD8 protein function. This variant has not been reported in the literature in individuals affected with CHD8-related conditions. This variant is not present in population databases (gnomAD no frequency). This sequence change replaces aspartic acid, which is acidic and polar, with glycine, which is neutral and non-polar, at codon 1228 of the CHD8 protein (p.Asp1228Gly).